The following is an entry in ClinVar:

ClinVar aggregate classification (germline): Uncertain significance. Review status: criteria provided, multiple submitters, no conflicts (2 of 4 stars). 2 submissions from 2 submitters: Uncertain significance (2). Last evaluated 2024-08-23.

Conditions:
Hereditary cancer-predisposing syndrome. Also called: Tumor predisposition; Hereditary neoplastic syndrome; Neoplastic Syndromes, Hereditary; Hereditary Cancer Syndrome. Identifiers: Orphanet 140162, MedGen C0027672, MeSH D009386, MONDO:0015356.

Allele frequency attached by ClinVar (database versions not stated): gnomAD exomes below 0.00001.
gnomAD v4.1: 3 of 1,614,162 alleles (0.00019%); highest among the groups gnomAD compares: South Asian, 0.0011%; no homozygotes.

Submissions (2):

Ambry Genetics
Classification: Uncertain significance for Hereditary cancer-predisposing syndrome. Last evaluated: 2024-08-23. Review status: criteria provided, single submitter. Criteria: Ambry Variant Classification Scheme 2023. Collection method: clinical testing. Allele origin: germline.
Comment: The c.201A>G variant (also known as p.Q67Q), located in coding exon 2 of the CTNNA1 gene, results from an A to G substitution at nucleotide position 201. This nucleotide substitution does not change the glutamine at codon 67. This nucleotide position is not well conserved in available vertebrate species. In silico splice site analysis predicts that this alteration will result in the creation or strengthening of a novel splice acceptor site. The evidence for this gene-disease relationship is limited; therefore, the clinical significance of this alteration is unclear.

Labcorp Genetics (formerly Invitae), Labcorp
Classification: Uncertain significance. Last evaluated: 2022-08-23. Review status: criteria provided, single submitter. Criteria: Invitae Variant Classification Sherloc (09022015). Collection method: clinical testing. Allele origin: germline.
Comment: This sequence change affects codon 67 of the CTNNA1 mRNA. It is a 'silent' change, meaning that it does not change the encoded amino acid sequence of the CTNNA1 protein. This variant is not present in population databases (gnomAD no frequency). This variant has not been reported in the literature in individuals affected with CTNNA1-related conditions. ClinVar contains an entry for this variant (Variation ID: 847844). Algorithms developed to predict the effect of sequence changes on RNA splicing suggest that this variant may create or strengthen a splice site. In summary, the available evidence is currently insufficient to determine the role of this variant in disease. Therefore, it has been classified as a Variant of Uncertain Significance.

NM_001903.5(CTNNA1):c.201A>G (p.Gln67=)

Gene: CTNNA1 (catenin alpha 1; plus strand). Cytogenetic location: 5q31.2.
Variant type: single nucleotide variant.
Coding change: c.201A>G on transcript NM_001903.5 (MANE Select); coding-DNA position 201, A replaced by G.
Protein change: p.Gln67=; no amino-acid change (glutamine 67 retained).
Molecular consequence: synonymous variant. On other transcripts: 5 prime UTR variant (1), intron variant (1).
Genome position (GRCh38, 1-based): chr5:138,783,272, A>G. VCF-style: chr5-138783272-A-G. GRCh37 (hg19) VCF-style: chr5-138118961-A-G.
Other names: c.201A>G (NM_001903.2); c.201A>G, p.Gln67= (NM_001290307.3, NM_001323982.2, NM_001323983.1 and 3 more transcripts); c.-6A>G (NM_001290310.3); c.-9+1243A>G (NM_001290309.3).
Identifiers: ClinVar variation 847844 (VCV000847844.10), dbSNP rs369216126, ClinGen allele CA446725118.